The following is an entry in ClinVar:

ClinVar aggregate classification (germline): Benign/Likely benign. Review status: criteria provided, multiple submitters, no conflicts (2 of 4 stars). 3 submissions from 3 submitters: Benign (1); Likely benign (2). Last evaluated 2025-12-20.

Conditions:
Hereditary cancer-predisposing syndrome. Also called: Tumor predisposition; Hereditary Cancer Syndrome; Hereditary neoplastic syndrome; Neoplastic Syndromes, Hereditary. Identifiers: Orphanet 140162, MedGen C0027672, MeSH D009386, MONDO:0015356.
Pheochromocytoma/paraganglioma syndrome 5. Also called: Paragangliomas 5; SDHA-Related Hereditary Paraganglioma-Pheochromocytoma Syndrome. Identifiers: Orphanet 29072, MedGen C3279992, MONDO:0013602, OMIM 614165.
Mitochondrial complex II deficiency, nuclear type 1. Also called: SUCCINATE CoQ REDUCTASE DEFICIENCY. Identifiers: Orphanet 3208, MedGen C5700310, MONDO:0100294, OMIM 252011.

Allele frequency attached by ClinVar (database versions not stated): gnomAD exomes below 0.00001.
gnomAD v4.1: 1 of 1,613,996 alleles (0.000062%); highest among the groups gnomAD compares: Non-Finnish European, 0.000085%; no homozygotes.

Submissions (3):

Ambry Genetics
Classification: Likely benign for Hereditary cancer-predisposing syndrome. Last evaluated: 2025-12-20. Review status: criteria provided, single submitter. Criteria: Ambry Variant Classification Scheme 2023. Collection method: clinical testing. Allele origin: germline.

Labcorp Genetics (formerly Invitae), Labcorp
Classification: Likely benign for Pheochromocytoma/paraganglioma syndrome 5; Mitochondrial complex II deficiency, nuclear type 1. Last evaluated: 2025-11-03. Review status: criteria provided, single submitter. Criteria: Invitae Variant Classification Sherloc (09022015). Collection method: clinical testing. Allele origin: germline.

Myriad Genetics, Inc.
Classification: Benign for Pheochromocytoma/paraganglioma syndrome 5. Last evaluated: 2025-03-11. Review status: criteria provided, single submitter. Criteria: Myriad Autosomal Dominant, Autosomal Recessive and X-Linked Classification Criteria (2023). Collection method: clinical testing. Allele origin: unknown.
Comment: This variant is considered benign. This variant is a silent/synonymous amino acid change and it is not expected to impact splicing.

NM_004168.4(SDHA):c.1791C>T (p.Tyr597=)

Gene: SDHA (succinate dehydrogenase complex flavoprotein subunit A; plus strand). Cytogenetic location: 5p15.33.
Variant type: single nucleotide variant.
Coding change: c.1791C>T on transcript NM_004168.4 (MANE Select); coding-DNA position 1791, C replaced by T.
Protein change: p.Tyr597=; no amino-acid change (tyrosine 597 retained).
Molecular consequence: synonymous variant. On other transcripts: intron variant (1).
Genome position (GRCh38, 1-based): chr5:251,465, C>T. VCF-style: chr5-251465-C-T. GRCh37 (hg19) VCF-style: chr5-251580-C-T.
Other names: c.1647C>T, p.Tyr549= (NM_001294332.2); c.1552-2928C>T (NM_001330758.2); c.1791C>T (NM_004168.2).
Identifiers: ClinVar variation 1585027 (VCV001585027.10), dbSNP rs1226155499, ClinGen allele CA442657918.